The following is an entry in ClinVar:

ClinVar aggregate classification (germline): Uncertain significance. Review status: criteria provided, multiple submitters, no conflicts (2 of 4 stars). 2 submissions from 2 submitters: Uncertain significance (2). Last evaluated 2020-09-24.

Conditions:
Hereditary cancer-predisposing syndrome. Also called: Tumor predisposition; Neoplastic Syndromes, Hereditary; Hereditary neoplastic syndrome; Hereditary Cancer Syndrome. Identifiers: Orphanet 140162, MedGen C0027672, MeSH D009386, MONDO:0015356.
BAP1-related tumor predisposition syndrome (TPDS1). Also called: TUMOR PREDISPOSITION SYNDROME 1; COMMON Syndrome; Tumor susceptibility linked to germline BAP1 mutations; BAP1 tumor predisposition syndrome. Identifiers: Orphanet 289539, MedGen C3280492, MONDO:0013692, OMIM 614327.

Allele frequency attached by ClinVar (database versions not stated): gnomAD exomes below 0.00001.
gnomAD v4.1: 2 of 1,614,138 alleles (0.00012%); highest among the groups gnomAD compares: African/African-American, 0.0027%; no homozygotes.

Submissions (2):

Ambry Genetics
Classification: Uncertain significance for Hereditary cancer-predisposing syndrome. Last evaluated: 2020-09-24. Review status: criteria provided, single submitter. Criteria: Ambry Variant Classification Scheme 2023. Collection method: clinical testing. Allele origin: germline.
Comment: The p.S537N variant (also known as c.1610G>A), located in coding exon 13 of the BAP1 gene, results from a G to A substitution at nucleotide position 1610. The serine at codon 537 is replaced by asparagine, an amino acid with highly similar properties. This amino acid position is well conserved in available vertebrate species. In addition, this alteration is predicted to be tolerated by in silico analysis. Since supporting evidence is limited at this time, the clinical significance of this alteration remains unclear.

Labcorp Genetics (formerly Invitae), Labcorp
Classification: Uncertain significance for BAP1-related tumor predisposition syndrome. Last evaluated: 2020-03-18. Review status: criteria provided, single submitter. Criteria: Invitae Variant Classification Sherloc (09022015). Collection method: clinical testing. Allele origin: germline.
Comment: This sequence change replaces serine with asparagine at codon 537 of the BAP1 protein (p.Ser537Asn). The serine residue is moderately conserved and there is a small physicochemical difference between serine and asparagine. This variant is not present in population databases (ExAC no frequency). This variant has not been reported in the literature in individuals with BAP1-related conditions. Algorithms developed to predict the effect of missense changes on protein structure and function (SIFT, PolyPhen-2, Align-GVGD) all suggest that this variant is likely to be tolerated, but these predictions have not been confirmed by published functional studies and their clinical significance is uncertain. In summary, the available evidence is currently insufficient to determine the role of this variant in disease. Therefore, it has been classified as a Variant of Uncertain Significance.

NM_004656.4(BAP1):c.1610G>A (p.Ser537Asn)

Gene: BAP1 (BRCA1 associated deubiquitinase 1; minus strand). Cytogenetic location: 3p21.1.
Variant type: single nucleotide variant.
Coding change: c.1610G>A on transcript NM_004656.4 (MANE Select); coding-DNA position 1610, G replaced by A.
Protein change: p.Ser537Asn; replaces serine 537 with asparagine.
Molecular consequence: missense variant.
Genome position (GRCh38, 1-based): chr3:52,403,535, C>T on the plus strand (G>A on the coding strand, the complement: BAP1 is on the minus strand). VCF-style: chr3-52403535-C-T. GRCh37 (hg19) VCF-style: chr3-52437551-C-T.
Other names: short protein forms S537N.
Identifiers: ClinVar variation 1020025 (VCV001020025.7), dbSNP rs1705041261, ClinGen allele CA353100318.